The following is an entry in ClinVar:

NM_015346.4(ZFYVE26):c.7147A>C (p.Asn2383His)

Gene: ZFYVE26 (zinc finger FYVE-type containing 26; minus strand). Cytogenetic location: 14q24.1.
Variant type: single nucleotide variant.
Coding change: c.7147A>C on transcript NM_015346.4 (MANE Select); coding-DNA position 7147, A replaced by C.
Protein change: p.Asn2383His; replaces asparagine 2383 with histidine.
Molecular consequence: missense variant.
Genome position (GRCh38, 1-based): chr14:67,753,748, T>G on the plus strand (A>C on the coding strand, the complement: ZFYVE26 is on the minus strand). VCF-style: chr14-67753748-T-G. GRCh37 (hg19) VCF-style: chr14-68220465-T-G.
Other names: short protein forms N2383H.
Identifiers: ClinVar variation 1035829 (VCV001035829.6), dbSNP rs2038707498, ClinGen allele CA390159411.

ClinVar aggregate classification (germline): Uncertain significance (1 of 4 stars; one submission).

Conditions:
Spastic paraplegia. Identifiers: MedGen C0037772, HP:0001258.

Allele frequency attached by ClinVar (database versions not stated): gnomAD exomes below 0.00001.
gnomAD v4.1: 1 of 1,613,634 alleles (0.000062%); highest among the groups gnomAD compares: Admixed American, 0.0017%; no homozygotes.

Submission:

Labcorp Genetics (formerly Invitae), Labcorp
Classification: Uncertain significance for Spastic paraplegia. Last evaluated: 2022-08-31. Review status: criteria provided, single submitter. Criteria: Invitae Variant Classification Sherloc (09022015). Collection method: clinical testing. Allele origin: germline.
Comment: This sequence change replaces asparagine, which is neutral and polar, with histidine, which is basic and polar, at codon 2383 of the ZFYVE26 protein (p.Asn2383His). This variant is not present in population databases (gnomAD no frequency). This variant has not been reported in the literature in individuals affected with ZFYVE26-related conditions. ClinVar contains an entry for this variant (Variation ID: 1035829). Algorithms developed to predict the effect of missense changes on protein structure and function are either unavailable or do not agree on the potential impact of this missense change (SIFT: "Deleterious"; PolyPhen-2: "Possibly Damaging"; Align-GVGD: "Class C0"). In summary, the available evidence is currently insufficient to determine the role of this variant in disease. Therefore, it has been classified as a Variant of Uncertain Significance.